The following is an entry in ClinVar:

NM_015178.3(RHOBTB2):c.1114C>T (p.Arg372Trp)

Gene: RHOBTB2 (Rho related BTB domain containing 2; plus strand). Cytogenetic location: 8p21.3.
Variant type: single nucleotide variant.
Coding change: c.1114C>T on transcript NM_015178.3 (MANE Select); coding-DNA position 1114, C replaced by T.
Protein change: p.Arg372Trp; replaces arginine 372 with tryptophan.
Molecular consequence: missense variant.
Genome position (GRCh38, 1-based): chr8:23,007,359, C>T. VCF-style: chr8-23007359-C-T. GRCh37 (hg19) VCF-style: chr8-22864872-C-T.
Other names: c.1180C>T, p.Arg394Trp (NM_001160036.2); c.1135C>T, p.Arg379Trp (NM_001160037.2); c.1114C>T, p.Arg372Trp (NM_001374791.1); short protein forms R372W, R379W, R394W.
Identifiers: ClinVar variation 1396582 (VCV001396582.8), dbSNP rs1242699168, ClinGen allele CA370567494.

ClinVar aggregate classification (germline): Uncertain significance (1 of 4 stars; one submission).

Allele frequency attached by ClinVar (database versions not stated): gnomAD exomes below 0.00001 and 0.00001; TOPMed below 0.00001; gnomAD 0.00001.
gnomAD v4.1: 6 of 1,613,572 alleles (0.00037%); highest among the groups gnomAD compares: African/African-American, 0.0013%; no homozygotes.

Submission:

Labcorp Genetics (formerly Invitae), Labcorp
Classification: Uncertain significance. Last evaluated: 2022-02-05. Review status: criteria provided, single submitter. Criteria: Invitae Variant Classification Sherloc (09022015). Collection method: clinical testing. Allele origin: germline.
Comment: This sequence change replaces arginine, which is basic and polar, with tryptophan, which is neutral and slightly polar, at codon 394 of the RHOBTB2 protein (p.Arg394Trp). In summary, the available evidence is currently insufficient to determine the role of this variant in disease. Therefore, it has been classified as a Variant of Uncertain Significance. Algorithms developed to predict the effect of missense changes on protein structure and function are either unavailable or do not agree on the potential impact of this missense change (SIFT: "Deleterious"; PolyPhen-2: "Possibly Damaging"; Align-GVGD: "Class C0"). This variant has not been reported in the literature in individuals affected with RHOBTB2-related conditions. This variant is present in population databases (no rsID available, gnomAD 0.004%).